The following is an entry in ClinVar:

NM_030928.4(CDT1):c.1105A>G (p.Asn369Asp)

Gene: CDT1 (chromatin licensing and DNA replication factor 1; plus strand). Cytogenetic location: 16q24.3.
Variant type: single nucleotide variant.
Coding change: c.1105A>G on transcript NM_030928.4 (MANE Select); coding-DNA position 1105, A replaced by G.
Protein change: p.Asn369Asp; replaces asparagine 369 with aspartic acid.
Molecular consequence: missense variant.
Genome position (GRCh38, 1-based): chr16:88,806,657, A>G. VCF-style: chr16-88806657-A-G. GRCh37 (hg19) VCF-style: chr16-88873065-A-G.
Other names: short protein forms N369D.
Identifiers: ClinVar variation 1499002 (VCV001499002.8), dbSNP rs1908868704, ClinGen allele CA397080969.
Genomic context (GRCh38, chr16:88,806,657, plus strand): 5'-CCCCAGCCACCCGCCACGGAGAAGCTCACCACTGCTCAGGAGGTGCTGGCCCGGGCCCGC[A>G]ACCTGATTTCACCCAGGGTGAGACTGCGAGGCTTGGGCAGCCCATTTCTCCCGGGTGGGT-3'
Protein context (NP_112190.2, residues 359-379): TAQEVLARAR[Asn369Asp]LISPRMEKAL

ClinVar aggregate classification (germline): Uncertain significance (1 of 4 stars; one submission).

Allele frequency attached by ClinVar (database versions not stated): gnomAD exomes below 0.00001; gnomAD 0.00001; TOPMed 0.00002.

Submission:

Labcorp Genetics (formerly Invitae), Labcorp
Classification: Uncertain significance. Last evaluated: 2022-02-05. Review status: criteria provided, single submitter. Criteria: Invitae Variant Classification Sherloc (09022015). Collection method: clinical testing. Allele origin: germline.
Comment: This sequence change replaces asparagine, which is neutral and polar, with aspartic acid, which is acidic and polar, at codon 369 of the CDT1 protein (p.Asn369Asp). This variant is not present in population databases (gnomAD no frequency). This variant has not been reported in the literature in individuals affected with CDT1-related conditions. Algorithms developed to predict the effect of missense changes on protein structure and function (SIFT, PolyPhen-2, Align-GVGD) all suggest that this variant is likely to be tolerated. In summary, the available evidence is currently insufficient to determine the role of this variant in disease. Therefore, it has been classified as a Variant of Uncertain Significance.